The following is an entry in ClinVar:

NM_000257.4(MYH7):c.859T>C (p.Tyr287His)

Gene: MYH7 (myosin heavy chain 7; minus strand). Cytogenetic location: 14q11.2.
Variant type: single nucleotide variant.
Coding change: c.859T>C on transcript NM_000257.4 (MANE Select); coding-DNA position 859, T replaced by C.
Protein change: p.Tyr287His; replaces tyrosine 287 with histidine.
Molecular consequence: missense variant.
Genome position (GRCh38, 1-based): chr14:23,430,937, A>G on the plus strand (T>C on the coding strand, the complement: MYH7 is on the minus strand). VCF-style: chr14-23430937-A-G. GRCh37 (hg19) VCF-style: chr14-23900146-A-G.
Other names: short protein forms Y287H.
Identifiers: ClinVar variation 164385 (VCV000164385.4), dbSNP rs727503273, ClinGen allele CA016905.

ClinVar aggregate classification (germline): Uncertain significance (1 of 4 stars; one submission).

Submission:

Laboratory for Molecular Medicine, Mass General Brigham Personalized Medicine
Classification: Uncertain significance. Last evaluated: 2014-07-18. Review status: criteria provided, single submitter. Criteria: LMM Criteria. Collection method: clinical testing. Allele origin: germline. Observed: 1 variant allele.
Comment: The Tyr287His variant in MYH7 has not been previously reported in individuals wi th cardiomyopathy and was absent from large population studies. Computational pr ediction tools and conservation analysis suggest that this variant may impact th e protein, though this information is not predictive enough to determine pathoge nicity. In summary, the clinical significance of the Tyr287His variant is uncert ain.